The following is an entry in ClinVar:

NM_001042492.3(NF1):c.3173ATG[2] (p.Asp1060del)

Gene: NF1 (neurofibromin 1; plus strand). Cytogenetic location: 17q11.2.
Variant type: Microsatellite.
Coding change: c.3173ATG[2] on transcript NM_001042492.3 (MANE Select); two copies in a row of the 3-base unit ATG starting at c.3173; the reference has three copies in a row; one copy, 3 bases deleted.
Protein change: p.Asp1060del; deletes aspartic acid 1060.
Molecular consequence: inframe deletion. On other transcripts: inframe indel (1).
Genome position (GRCh38, 1-based): chr17:31,230,907-31,230,909, ATG deleted; deleting any 3 consecutive bases within chr17:31,230,900-31,230,909 gives the same sequence; the position shown is the placement nearest the transcript's 3' end. VCF-style (leftmost placement, unchanged base first): chr17-31230899-AGAT-A. GRCh37 (hg19) VCF-style: chr17-29557917-AGAT-A.
Other names: c.3179_3181delATG (NM_000267.3); c.3173_3175ATG[2], p.Asp1060del (NM_000267.4); short protein forms D1060del.
Identifiers: ClinVar variation 823083 (VCV000823083.5), dbSNP rs1597717639, ClinGen allele CA915949852.

ClinVar aggregate classification (germline): Uncertain significance. Review status: criteria provided, multiple submitters, no conflicts (2 of 4 stars). 2 submissions from 2 submitters: Uncertain significance (2). Last evaluated 2025-11-19.

Conditions:
Hereditary cancer-predisposing syndrome. Also called: Hereditary Cancer Syndrome; Neoplastic Syndromes, Hereditary; Hereditary neoplastic syndrome; Tumor predisposition. Identifiers: Orphanet 140162, MedGen C0027672, MeSH D009386, MONDO:0015356.
Cardiovascular phenotype. Identifiers: MedGen CN230736.
Neurofibromatosis, type 1 (NF1). Also called: Peripheral type neurofibromatosis; Neurofibromatosis, type I; NEUROFIBROMATOSIS, TYPE I, SOMATIC; VON RECKLINGHAUSEN DISEASE. Identifiers: Orphanet 636, MedGen C0027831, MONDO:0018975, OMIM 162200. Disease mechanism: loss of function.

Submissions (2):

Labcorp Genetics (formerly Invitae), Labcorp
Classification: Uncertain significance for Neurofibromatosis, type 1. Last evaluated: 2025-11-19. Review status: criteria provided, single submitter. Criteria: Invitae Variant Classification Sherloc (09022015). Collection method: clinical testing. Allele origin: germline.
Comment: This variant, c.3179_3181del, results in the deletion of 1 amino acid(s) of the NF1 protein (p.Asp1060del), but otherwise preserves the integrity of the reading frame. This variant is not present in population databases (gnomAD no frequency). This variant has not been reported in the literature in individuals affected with NF1-related conditions. Experimental studies and prediction algorithms are not available or were not evaluated, and the functional significance of this variant is currently unknown. In summary, the available evidence is currently insufficient to determine the role of this variant in disease. Therefore, it has been classified as a Variant of Uncertain Significance.

Ambry Genetics
Classification: Uncertain significance for Cardiovascular phenotype; Hereditary cancer-predisposing syndrome. Last evaluated: 2018-09-17. Review status: criteria provided, single submitter. Criteria: Ambry Variant Classification Scheme 2023. Collection method: clinical testing. Allele origin: germline.
Comment: The c.3179_3181delATG variant (also known as p.D1060del) is located in coding exon 24 of the NF1 gene. This variant results from an in-frame ATG deletion at nucleotide positions 3179 to 3181. This results in the in-frame deletion of an aspartic acid at codon 1060. This amino acid position is highly conserved in available vertebrate species. Since supporting evidence is limited at this time, the clinical significance of this alteration remains unclear.